The following is an entry in ClinVar:

NM_000143.4(FH):c.63C>T (p.Ala21=)

Gene: FH (fumarate hydratase; minus strand). Cytogenetic location: 1q43.
Variant type: single nucleotide variant.
Coding change: c.63C>T on transcript NM_000143.4 (MANE Select); coding-DNA position 63, C replaced by T.
Protein change: p.Ala21=; no amino-acid change (alanine 21 retained).
Molecular consequence: synonymous variant.
Genome position (GRCh38, 1-based): chr1:241,519,660, G>A on the plus strand (C>T on the coding strand, the complement: FH is on the minus strand). VCF-style: chr1-241519660-G-A. GRCh37 (hg19) VCF-style: chr1-241682960-G-A.
Identifiers: ClinVar variation 187176 (VCV000187176.26), dbSNP rs555404867, ClinGen allele CA196927.
Genomic context (GRCh38, chr1:241,519,660, plus strand): 5'-CGCGTTCGGAGGCCAAAACGAGGGCACGGCCGCGCCACCCAAGCCGGGAGCCGAAGCTAA[G>A]GCTGCGGCTGGAGCCCGCACGAGGGGACGCGAGCGCGCGAGGAGCCGAAGTGCTCGGTAC-3'
Protein context (NP_000134.2, residues 11-31): SRPLVRAPAA[Ala21=]LASAPGLGGA

ClinVar aggregate classification (germline): Conflicting classifications of pathogenicity. Review status: criteria provided, conflicting classifications (1 of 4 stars). 7 submissions from 6 submitters: Uncertain significance (2); Benign (1); Likely benign (3). 1 of the submissions does not count toward it. Last evaluated 2025-12-17.

Conditions:
FH-related disorder. Also called: FH-related condition; FH-related disorders.
Hereditary cancer-predisposing syndrome. Also called: Tumor predisposition; Neoplastic Syndromes, Hereditary; Hereditary neoplastic syndrome; Hereditary Cancer Syndrome. Identifiers: Orphanet 140162, MedGen C0027672, MeSH D009386, MONDO:0015356.
Fumarase deficiency (FMRD). Also called: Fumaric aciduria; Fumarate Hydratase Deficiency. Identifiers: Orphanet 24, MedGen C0342770, MONDO:0011730, OMIM 606812.
Hereditary leiomyomatosis and renal cell cancer. Also called: MULTIPLE CUTANEOUS AND UTERINE LEIOMYOMATA 1, WITH OR WITHOUT RENAL CELL CARCINOMA; LEIOMYOMA, MULTIPLE CUTANEOUS; Reed syndrome; Multiple cutaneous and uterine leiomyomatosis; Cutaneous leiomyomata with uterine leiomyomata; Leiomyoma, hereditary multiple, of skin. Identifiers: Orphanet 523, MedGen C1708350, MONDO:0007888, OMIM 150800, HP:0007437. Disease mechanism: loss of function.

Allele frequency attached by ClinVar (database versions not stated): gnomAD exomes below 0.00001 and 0.00001; gnomAD 0.00005; TOPMed 0.00006; 1000 Genomes Project 30x 0.00016; 1000 Genomes Project 0.00020.
gnomAD v4.1: 12 of 1,547,890 alleles (0.00078%); highest among the groups gnomAD compares: African/African-American, 0.014%; no homozygotes.

Submissions (7):

Labcorp Genetics (formerly Invitae), Labcorp
Classification: Likely benign. Last evaluated: 2025-12-17. Review status: criteria provided, single submitter. Criteria: Invitae Variant Classification Sherloc (09022015). Collection method: clinical testing. Allele origin: germline.

Myriad Genetics, Inc.
Classification: Benign for Hereditary leiomyomatosis and renal cell cancer. Last evaluated: 2024-10-17. Review status: criteria provided, single submitter. Criteria: Myriad Autosomal Dominant, Autosomal Recessive and X-Linked Classification Criteria (2023). Collection method: clinical testing. Allele origin: unknown.
Comment: This variant is considered benign. This variant is a silent/synonymous amino acid change and it is not expected to impact splicing.

GeneDx
Classification: Likely benign. Last evaluated: 2021-02-11. Review status: criteria provided, single submitter. Criteria: GeneDx Variant Classification Process June 2021. Collection method: clinical testing. Allele origin: germline. Affected: yes.

Illumina Laboratory Services, Illumina
Classification: Uncertain significance for Hereditary leiomyomatosis and renal cell cancer. Last evaluated: 2018-01-13. Review status: criteria provided, single submitter. Criteria: ICSL Variant Classification Criteria 13 December 2019. Collection method: clinical testing. Allele origin: germline.

Illumina Laboratory Services, Illumina
Classification: Uncertain significance for Fumarase deficiency. Last evaluated: 2018-01-13. Review status: criteria provided, single submitter. Criteria: ICSL Variant Classification Criteria 13 December 2019. Collection method: clinical testing. Allele origin: germline.

Ambry Genetics
Classification: Likely benign for Hereditary cancer-predisposing syndrome. Last evaluated: 2017-10-25. Review status: criteria provided, single submitter. Criteria: Ambry Variant Classification Scheme 2023. Collection method: clinical testing. Allele origin: germline.

PreventionGenetics, part of Exact Sciences
Classification: Likely benign for FH-related condition. Last evaluated: 2024-06-12. Review status: no assertion criteria provided. Collection method: clinical testing. Allele origin: germline. Not counted in ClinVar's aggregate classification.
Comment: This variant is classified as likely benign based on ACMG/AMP sequence variant interpretation guidelines (Richards et al. 2015 PMID: 25741868, with internal and published modifications).